The following is an entry in ClinVar:

ClinVar aggregate classification (germline): Uncertain significance. Review status: criteria provided, multiple submitters, no conflicts (2 of 4 stars). 3 submissions from 3 submitters: Uncertain significance (3). Last evaluated 2025-04-23.

Allele frequency attached by ClinVar (database versions not stated): TOPMed below 0.00001; ExAC 0.00001; gnomAD exomes 0.00001; gnomAD 0.00002.
gnomAD v4.1: 15 of 1,585,876 alleles (0.00095%); highest among the groups gnomAD compares: East Asian, 0.0045%; no homozygotes.

Submissions (3):

Labcorp Genetics (formerly Invitae), Labcorp
Classification: Uncertain significance. Last evaluated: 2025-04-23. Review status: criteria provided, single submitter. Criteria: Invitae Variant Classification Sherloc (09022015). Collection method: clinical testing. Allele origin: germline.
Comment: This sequence change replaces arginine, which is basic and polar, with glutamine, which is neutral and polar, at codon 693 of the TAOK2 protein (p.Arg693Gln). The frequency data for this variant in the population databases is considered unreliable, as metrics indicate poor data quality at this position in the gnomAD database. This variant has not been reported in the literature in individuals affected with TAOK2-related conditions. ClinVar contains an entry for this variant (Variation ID: 1439611). An algorithm developed to predict the effect of missense changes on protein structure and function (PolyPhen-2) suggests that this variant is likely to be disruptive. In summary, the available evidence is currently insufficient to determine the role of this variant in disease. Therefore, it has been classified as a Variant of Uncertain Significance.

Women's Health and Genetics/Laboratory Corporation of America, LabCorp
Classification: Uncertain significance. Last evaluated: 2022-11-10. Review status: criteria provided, single submitter. Criteria: LabCorp Variant Classification Summary - May 2015. Collection method: clinical testing. Allele origin: germline.
Comment: Variant summary: TAOK2 c.2078G>A (p.Arg693Gln) results in a conservative amino acid change in the encoded protein sequence. Three of five in-silico tools predict a benign effect of the variant on protein function. The variant allele was found at a frequency of 8.6e-06 in 232030 control chromosomes. The available data on variant occurrences in the general population are insufficient to allow any conclusion about variant significance. To our knowledge, no occurrence of c.2078G>A in individuals affected with TAOK2-Related Disorders and no experimental evidence demonstrating its impact on protein function have been reported. One clinical diagnostic laboratory has submitted clinical-significance assessments for this variant to ClinVar after 2014 without evidence for independent evaluation. One laboratory classified the variant as uncertain significance. Based on the evidence outlined above, the variant was classified as uncertain significance.

Breakthrough Genomics
Classification: Uncertain significance. Review status: criteria provided, single submitter. Criteria: ACMG Guidelines, 2015. Collection method: not provided. Allele origin: germline. Inheritance: Unknown mechanism. Affected: yes.

NM_016151.4(TAOK2):c.2078G>A (p.Arg693Gln)

Gene: TAOK2 (TAO kinase 2; plus strand). Cytogenetic location: 16p11.2.
Variant type: single nucleotide variant.
Coding change: c.2078G>A on transcript NM_016151.4 (MANE Select); coding-DNA position 2078, G replaced by A.
Protein change: p.Arg693Gln; replaces arginine 693 with glutamine.
Molecular consequence: missense variant.
Genome position (GRCh38, 1-based): chr16:29,986,350, G>A. VCF-style: chr16-29986350-G-A. GRCh37 (hg19) VCF-style: chr16-29997671-G-A.
Other names: c.2078G>A, p.Arg693Gln (NM_001252043.2, NM_004783.4); short protein forms R693Q.
Identifiers: ClinVar variation 1439611 (VCV001439611.8), dbSNP rs755472068, ClinGen allele CA7998306.